The following is an entry in ClinVar:

NM_001193315.2(VIPAS39):c.559G>T (p.Glu187Ter)

Gene: VIPAS39 (VPS33B interacting protein, apical-basolateral polarity regulator, spe-39 homolog; minus strand). Cytogenetic location: 14q24.3.
Variant type: single nucleotide variant.
Coding change: c.559G>T on transcript NM_001193315.2 (MANE Select); coding-DNA position 559, G replaced by T.
Protein change: p.Glu187Ter; replaces glutamic acid 187 with a stop codon.
Molecular consequence: nonsense. On other transcripts: non-coding transcript variant (1), intron variant (3).
Genome position (GRCh38, 1-based): chr14:77,444,287, C>A on the plus strand (G>T on the coding strand, the complement: VIPAS39 is on the minus strand). VCF-style: chr14-77444287-C-A. GRCh37 (hg19) VCF-style: chr14-77910630-C-A.
Other names: c.559G>T, p.Glu187Ter (NM_001193314.2, NM_001193317.2, NM_001400326.1 and 8 more transcripts); c.412G>T, p.Glu138Ter (NM_001193316.2, NM_001400324.1, NM_001400325.1); c.526G>T, p.Glu176Ter (NM_001400327.1); c.358-1135G>T (NM_001400337.1); c.505-1135G>T (NM_001400333.1, NM_001400334.1); short protein forms E187*, E138*, E176*.
Identifiers: ClinVar variation 3639127 (VCV003639127.2).

ClinVar aggregate classification (germline): Pathogenic (1 of 4 stars; one submission).

gnomAD v4.1: 2 of 1,613,926 alleles (0.00012%); highest among the groups gnomAD compares: African/African-American, 0.0013%; no homozygotes.

Submission:

Labcorp Genetics (formerly Invitae), Labcorp
Classification: Pathogenic. Last evaluated: 2024-05-10. Review status: criteria provided, single submitter. Criteria: Invitae Variant Classification Sherloc (09022015). Collection method: clinical testing. Allele origin: germline.
Comment: This sequence change creates a premature translational stop signal (p.Glu187*) in the VIPAS39 gene. It is expected to result in an absent or disrupted protein product. Loss-of-function variants in VIPAS39 are known to be pathogenic (PMID: 20190753, 22753090). This variant is present in population databases (rs527729637, gnomAD 0.007%). This variant has not been reported in the literature in individuals affected with VIPAS39-related conditions. Algorithms developed to predict the effect of sequence changes on RNA splicing suggest that this variant may disrupt the consensus splice site. For these reasons, this variant has been classified as Pathogenic.

Literature cited by the submitters: PubMed 20190753; PubMed 22753090.